The following is an entry in ClinVar:

ClinVar aggregate classification (germline): Uncertain significance (1 of 4 stars; one submission).

Allele frequency attached by ClinVar (database versions not stated): gnomAD exomes below 0.00001.
gnomAD v4.1: 1 of 1,613,526 alleles (0.000062%); highest among the groups gnomAD compares: Non-Finnish European, 0.000085%; no homozygotes.

Submission:

Labcorp Genetics (formerly Invitae), Labcorp
Classification: Uncertain significance. Last evaluated: 2022-12-30. Review status: criteria provided, single submitter. Criteria: Invitae Variant Classification Sherloc (09022015). Collection method: clinical testing. Allele origin: germline.
Comment: In summary, the available evidence is currently insufficient to determine the role of this variant in disease. Therefore, it has been classified as a Variant of Uncertain Significance. Algorithms developed to predict the effect of missense changes on protein structure and function are either unavailable or do not agree on the potential impact of this missense change (SIFT: "Tolerated"; PolyPhen-2: "Possibly Damaging"; Align-GVGD: "Class C0"). This variant has not been reported in the literature in individuals affected with CFH-related conditions. This variant is not present in population databases (gnomAD no frequency). This sequence change replaces glutamic acid, which is acidic and polar, with aspartic acid, which is acidic and polar, at codon 909 of the CFH protein (p.Glu909Asp).

NM_000186.4(CFH):c.2727A>C (p.Glu909Asp)

Gene: CFH (complement factor H; plus strand). Cytogenetic location: 1q31.3.
Variant type: single nucleotide variant.
Coding change: c.2727A>C on transcript NM_000186.4 (MANE Select); coding-DNA position 2727, A replaced by C.
Protein change: p.Glu909Asp; replaces glutamic acid 909 with aspartic acid.
Molecular consequence: missense variant.
Genome position (GRCh38, 1-based): chr1:196,737,605, A>C. VCF-style: chr1-196737605-A-C. GRCh37 (hg19) VCF-style: chr1-196706735-A-C.
Other names: short protein forms E909D.
Identifiers: ClinVar variation 2977567 (VCV002977567.3), dbSNP rs1046246020, ClinGen allele CA35868228.